The following is an entry in ClinVar:

ClinVar aggregate classification (germline): Benign. Review status: criteria provided, multiple submitters, no conflicts (2 of 4 stars). 14 submissions from 12 submitters: Benign (10). 4 of the submissions do not count toward it. Last evaluated 2026-02-04.

Conditions:
Lethal congenital contractural syndrome Finnish type.
Lethal arthrogryposis-anterior horn cell disease syndrome (CAAHD). Also called: CONGENITAL ARTHROGRYPOSIS WITH ANTERIOR HORN CELL DISEASE. Identifiers: Orphanet 53696, MedGen C5193016, MONDO:0012750, OMIM 611890.
Lethal congenital contracture syndrome 1 (LCCS1). Also called: MULTIPLE CONTRACTURE SYNDROME, FINNISH TYPE. Identifiers: Orphanet 1486, MedGen C1854664, MONDO:0009670, OMIM 253310.

Allele frequency attached by ClinVar (database versions not stated): gnomAD exomes 0.22622 and 0.26698; ESP Exome Variant Server 0.26472; ExAC 0.26787; gnomAD 0.26894 and 0.27252; TOPMed 0.28057; 1000 Genomes Project 0.34744; 1000 Genomes Project 30x 0.34838.

Submissions (14):

Labcorp Genetics (formerly Invitae), Labcorp
Classification: Benign. Last evaluated: 2026-02-04. Review status: criteria provided, single submitter. Criteria: Invitae Variant Classification Sherloc (09022015). Collection method: clinical testing. Allele origin: germline.

Blueprint Genetics
Classification: Benign. Last evaluated: 2024-11-27. Review status: criteria provided, single submitter. Criteria: ACMG Guidelines, 2015. Collection method: clinical testing. Allele origin: germline.

Genome-Nilou Lab
Classification: Benign for Lethal arthrogryposis-anterior horn cell disease syndrome. Last evaluated: 2021-07-10. Review status: criteria provided, single submitter. Criteria: ACMG Guidelines, 2015. Collection method: clinical testing. Allele origin: germline. Affected: no.

Genome-Nilou Lab
Classification: Benign for Lethal congenital contracture syndrome 1. Last evaluated: 2021-07-10. Review status: criteria provided, single submitter. Criteria: ACMG Guidelines, 2015. Collection method: clinical testing. Allele origin: germline. Affected: no.

GeneDx
Classification: Benign. Last evaluated: 2018-11-12. Review status: criteria provided, single submitter. Criteria: GeneDx Variant Classification Process June 2021. Collection method: clinical testing. Allele origin: germline. Affected: yes.
Comment: This variant is associated with the following publications: (PMID: 27884173, 23421748)

Illumina Laboratory Services, Illumina
Classification: Benign for Lethal congenital contracture syndrome 1. Last evaluated: 2018-01-12. Review status: criteria provided, single submitter. Criteria: ICSL Variant Classification Criteria 13 December 2019. Collection method: clinical testing. Allele origin: germline.
Comment: This variant was observed in the ICSL laboratory as part of a predisposition screen in an ostensibly healthy population. It had not been previously curated by ICSL or reported in the Human Gene Mutation Database (HGMD: prior to June 1st, 2018), and was therefore a candidate for classification through an automated scoring system. Utilizing variant allele frequency, disease prevalence and penetrance estimates, and inheritance mode, an automated score was calculated to assess if this variant is too frequent to cause the disease. Based on the score and internal cut-off values, a variant classified as benign is not then subjected to further curation. The score for this variant resulted in a classification of benign for this disease.

Illumina Laboratory Services, Illumina
Classification: Benign for Lethal arthrogryposis-anterior horn cell disease syndrome. Last evaluated: 2018-01-12. Review status: criteria provided, single submitter. Criteria: ICSL Variant Classification Criteria 13 December 2019. Collection method: clinical testing. Allele origin: germline.
Comment: the same text as in the submission from Illumina Laboratory Services, Illumina above.

Eurofins Ntd Llc (ga)
Classification: Benign. Last evaluated: 2015-02-05. Review status: criteria provided, single submitter. Criteria: EGL Classification Definitions 2015. Collection method: clinical testing. Allele origin: germline. Observed: 1 variant allele, 1 homozygote.

Breakthrough Genomics
Classification: Benign. Review status: criteria provided, single submitter. Criteria: ACMG Guidelines, 2015. Collection method: not provided. Allele origin: germline. Inheritance: Autosomal recessive inheritance. Affected: yes.

PreventionGenetics, part of Exact Sciences
Classification: Benign. Review status: criteria provided, single submitter. Criteria: ACMG Guidelines, 2015. Collection method: clinical testing. Allele origin: germline.

Natera, Inc.
Classification: Benign for Lethal congenital contractural syndrome Finnish type. Last evaluated: 2019-11-20. Review status: no assertion criteria provided. Collection method: clinical testing. Allele origin: germline. Not counted in ClinVar's aggregate classification.

Clinical Genetics, Academic Medical Center
Classification: Benign. Review status: no assertion criteria provided. Collection method: clinical testing. Allele origin: germline. Affected: yes. Study: VKGL Data-share Consensus. Not counted in ClinVar's aggregate classification.

Diagnostic Laboratory, Department of Genetics, University Medical Center Groningen
Classification: Benign. Review status: no assertion criteria provided. Collection method: clinical testing. Allele origin: germline. Affected: yes. Study: VKGL Data-share Consensus. Not counted in ClinVar's aggregate classification.

Genome Diagnostics Laboratory, University Medical Center Utrecht
Classification: Benign. Review status: no assertion criteria provided. Collection method: clinical testing. Allele origin: germline. Affected: yes. Study: VKGL Data-share Consensus. Not counted in ClinVar's aggregate classification.

NM_001003722.2(GLE1):c.727A>G (p.Ile243Val)

Gene: GLE1 (GLE1 RNA export mediator; plus strand). Cytogenetic location: 9q34.11.
Variant type: single nucleotide variant.
Coding change: c.727A>G on transcript NM_001003722.2 (MANE Select); coding-DNA position 727, A replaced by G.
Protein change: p.Ile243Val; replaces isoleucine 243 with valine.
Molecular consequence: missense variant.
Genome position (GRCh38, 1-based): chr9:128,523,676, A>G. VCF-style: chr9-128523676-A-G. GRCh37 (hg19) VCF-style: chr9-131285955-A-G.
Other names: c.727A>G, p.Ile243Val (NM_001499.2); short protein forms I243V.
Identifiers: ClinVar variation 198109 (VCV000198109.32), dbSNP rs2275260, ClinGen allele CA203249.